The following is an entry in ClinVar:

ClinVar aggregate classification (germline): Uncertain significance (1 of 4 stars; one submission).

gnomAD v4.1: 4 of 1,614,040 alleles (0.00025%); highest among the groups gnomAD compares: Non-Finnish European, 0.000085%; no homozygotes.

Submission:

Labcorp Genetics (formerly Invitae), Labcorp
Classification: Uncertain significance. Last evaluated: 2024-06-13. Review status: criteria provided, single submitter. Criteria: Invitae Variant Classification Sherloc (09022015). Collection method: clinical testing. Allele origin: germline.
Comment: This sequence change replaces serine, which is neutral and polar, with glycine, which is neutral and non-polar, at codon 1777 of the MYH3 protein (p.Ser1777Gly). This variant is present in population databases (no rsID available, gnomAD 0.007%). This variant has not been reported in the literature in individuals affected with MYH3-related conditions. Advanced modeling of protein sequence and biophysical properties (such as structural, functional, and spatial information, amino acid conservation, physicochemical variation, residue mobility, and thermodynamic stability) performed at Invitae indicates that this missense variant is not expected to disrupt MYH3 protein function with a negative predictive value of 95%. In summary, the available evidence is currently insufficient to determine the role of this variant in disease. Therefore, it has been classified as a Variant of Uncertain Significance.

NM_002470.4(MYH3):c.5329A>G (p.Ser1777Gly)

Gene: MYH3 (myosin heavy chain 3; minus strand). Cytogenetic location: 17p13.1.
Variant type: single nucleotide variant.
Coding change: c.5329A>G on transcript NM_002470.4 (MANE Select); coding-DNA position 5329, A replaced by G.
Protein change: p.Ser1777Gly; replaces serine 1777 with glycine.
Molecular consequence: missense variant.
Genome position (GRCh38, 1-based): chr17:10,630,416, T>C on the plus strand (A>G on the coding strand, the complement: MYH3 is on the minus strand). VCF-style: chr17-10630416-T-C. GRCh37 (hg19) VCF-style: chr17-10533733-T-C.
Other names: short protein forms S1777G.
Identifiers: ClinVar variation 3669957 (VCV003669957.2).